The following is an entry in ClinVar:

ClinVar aggregate classification (germline): Uncertain significance (1 of 4 stars; one submission).

Allele frequency attached by ClinVar (database versions not stated): ExAC 0.00003; TOPMed 0.00007; gnomAD 0.00010; gnomAD exomes 0.00010.
gnomAD v4.1: 167 of 1,608,622 alleles (0.01%); highest among the groups gnomAD compares: Non-Finnish European, 0.012%; no homozygotes.

Submission:

Labcorp Genetics (formerly Invitae), Labcorp
Classification: Uncertain significance. Last evaluated: 2024-10-28. Review status: criteria provided, single submitter. Criteria: Invitae Variant Classification Sherloc (09022015). Collection method: clinical testing. Allele origin: germline.
Comment: This sequence change replaces tyrosine, which is neutral and polar, with cysteine, which is neutral and slightly polar, at codon 2416 of the VPS13C protein (p.Tyr2416Cys). This variant is present in population databases (rs746398579, gnomAD 0.007%). This variant has not been reported in the literature in individuals affected with VPS13C-related conditions. ClinVar contains an entry for this variant (Variation ID: 2169049). Invitae Evidence Modeling of protein sequence and biophysical properties (such as structural, functional, and spatial information, amino acid conservation, physicochemical variation, residue mobility, and thermodynamic stability) indicates that this missense variant is expected to disrupt VPS13C protein function with a positive predictive value of 80%. In summary, the available evidence is currently insufficient to determine the role of this variant in disease. Therefore, it has been classified as a Variant of Uncertain Significance.

NM_020821.3(VPS13C):c.7247A>G (p.Tyr2416Cys)

Gene: VPS13C (vacuolar protein sorting 13 homolog C; minus strand). Cytogenetic location: 15q22.2.
Variant type: single nucleotide variant.
Coding change: c.7247A>G on transcript NM_020821.3 (MANE Select); coding-DNA position 7247, A replaced by G.
Protein change: p.Tyr2416Cys; replaces tyrosine 2416 with cysteine.
Molecular consequence: missense variant.
Genome position (GRCh38, 1-based): chr15:61,920,297, T>C on the plus strand (A>G on the coding strand, the complement: VPS13C is on the minus strand). VCF-style: chr15-61920297-T-C. GRCh37 (hg19) VCF-style: chr15-62212496-T-C.
Other names: c.7247A>G, p.Tyr2416Cys (NM_001018088.3); c.7118A>G, p.Tyr2373Cys (NM_017684.5, NM_018080.4); short protein forms Y2416C, Y2373C.
Identifiers: ClinVar variation 2169049 (VCV002169049.3), dbSNP rs746398579, ClinGen allele CA7595311.